The following is an entry in ClinVar:

NM_000062.3(SERPING1):c.437del (p.Leu146fs)

Gene: SERPING1 (serpin family G member 1; plus strand). Cytogenetic location: 11q12.1.
Variant type: Deletion.
Coding change: c.437del on transcript NM_000062.3 (MANE Select); coding-DNA position 437, one base deleted (T; older notation c.437delT).
Protein change: p.Leu146fs; shifts the reading frame from leucine 146.
Molecular consequence: frameshift variant.
Genome position (GRCh38, 1-based): chr11:57,600,264, T deleted; the last of 3 consecutive T bases (chr11:57,600,262-57,600,264); deleting any one gives the same sequence. VCF-style (leftmost placement, unchanged base first): chr11-57600261-CT-C. GRCh37 (hg19) VCF-style: chr11-57367734-CT-C.
Other names: c.437del, p.Leu146fs (NM_001032295.2); c.437delT (NM_000062.3); short protein forms L146fs.
Identifiers: ClinVar variation 3336697 (VCV003336697.2).

ClinVar aggregate classification (germline): Pathogenic (1 of 4 stars; one submission).

Conditions:
Hereditary angioedema type 1 (HAE1). Identifiers: Orphanet 100050, Orphanet 100051, Orphanet 91378, MedGen C2717906, MONDO:0015053, OMIM 106100.

Submission:

DNA-diagnostics Laboratory, Research Centre For Medical Genetics
Classification: Pathogenic for Hereditary angioedema type 1. Last evaluated: 2024-08-09. Review status: criteria provided, single submitter. Criteria: ACMG Guidelines, 2015. Collection method: research. Allele origin: germline. Inheritance: Autosomal dominant inheritance. Affected: yes. Observed: 1 heterozygote.
Comment: The pathogenic or likely pathogenic SERPING1 gene variants are detected in >90% of the HAE1/2 cases and in >80% of the total HAE cases (e.g., DOI: 10.1016/j.molimm.2008.05.007, 10.1159/2F000138883, 10.1016/j.molimm.2011.07.010 ). Across all SERPING1 gene exons, about 50% of the pathogenic or likely pathogenic variants associated with HAE are LoF (173/297 in ClinVar or 292/596 in HGMD 2022.1). The c.437delT variant in SERPING1 is localized in exon 3 from total of eight gene exons assembling biologically-relevant transcripts, and it is predicted to result in the p.Leu146Trpfs*2 frameshift and NMD. Additionally more than 3 LoF variants of the exon 3 SERPING1 gene are pathogenic without the PVS1 criterion: for example, such variants as c.346C>T (p.Gln116*, DOI: 10.1067/mai.2000.110471, 10.1371/journal.pone.0142174), c.120_121del (ClinVar ID: 3248624), c.550+5G>A (ClinVar ID: 3248617) and c.550G>A (p.Gly184Arg, ClinVar ID: 68253). This variant has not been reported in a large population database. In summary, the c.437delT variant in SERPING1 meets ACMG/ClinGen SVI guidance criteria to be classified as pathogenic: PVS1, PP4_Str, PS4_Mod, PM2_Sup

Literature cited by the submitters: DOI 10.1111/j.1398-9995.2010.02456.x.